The following is an entry in ClinVar:

NM_000069.3(CACNA1S):c.4669-11G>A

Gene: CACNA1S (calcium voltage-gated channel subunit alpha1 S; minus strand). Cytogenetic location: 1q32.1.
Variant type: single nucleotide variant.
Coding change: c.4669-11G>A on transcript NM_000069.3 (MANE Select); 11 bases into the intron before coding-DNA position 4669, G replaced by A.
Molecular consequence: intron variant.
Genome position (GRCh38, 1-based): chr1:201,044,467, C>T on the plus strand (G>A on the coding strand, the complement: CACNA1S is on the minus strand). VCF-style: chr1-201044467-C-T. GRCh37 (hg19) VCF-style: chr1-201013595-C-T.
Identifiers: ClinVar variation 875615 (VCV000875615.17), dbSNP rs376672151, ClinGen allele CA083508.

ClinVar aggregate classification (germline): Benign/Likely benign. Review status: criteria provided, multiple submitters, no conflicts (2 of 4 stars). 9 submissions from 6 submitters: Benign (1); Likely benign (8). Last evaluated 2025-12-10.

Conditions:
Hypokalemic periodic paralysis, type 1. Also called: Hypokalemic Periodic Paralysis Type 1 (AD); HypoPP. Identifiers: Orphanet 681, MedGen C3714580, MONDO:0042979, OMIM 170400.
Malignant hyperthermia, susceptibility to, 5 (MHS5). Also called: CACNA1S-Related Malignant Hyperthermia Susceptibility. Identifiers: Orphanet 423, MedGen C1866077, MONDO:0011163, OMIM 601887.
Congenital myopathy 18. Also called: Myopathy, congenital, due to dihydropyridine receptor defect; DIHYDROPYRIDINE RECEPTOR CONGENITAL MYOPATHY; DHPR CONGENITAL MYOPATHY. Identifiers: MedGen C5830283, MONDO:0859514, OMIM 620246.
Thyrotoxic periodic paralysis, susceptibility to, 1 (TTPP1). Identifiers: Orphanet 79102, MedGen C2749982, MONDO:0008570, OMIM 188580.

Allele frequency attached by ClinVar (database versions not stated): gnomAD 0.00006; TOPMed 0.00006; gnomAD exomes 0.00012; ExAC 0.00022; ESP Exome Variant Server 0.00023.
gnomAD v4.1: 154 of 1,610,804 alleles (0.0096%); highest among the groups gnomAD compares: South Asian, 0.041%; no homozygotes.

Submissions (9):

Labcorp Genetics (formerly Invitae), Labcorp
Classification: Likely benign for Hypokalemic periodic paralysis, type 1; Malignant hyperthermia, susceptibility to, 5. Last evaluated: 2025-12-10. Review status: criteria provided, single submitter. Criteria: Invitae Variant Classification Sherloc (09022015). Collection method: clinical testing. Allele origin: germline.

Genome-Nilou Lab
Classification: Likely benign for Malignant hyperthermia, susceptibility to, 5. Last evaluated: 2023-04-11. Review status: criteria provided, single submitter. Criteria: ACMG Guidelines, 2015. Collection method: clinical testing. Allele origin: germline. Affected: no.

Genome-Nilou Lab
Classification: Likely benign for Thyrotoxic periodic paralysis, susceptibility to, 1. Last evaluated: 2023-04-11. Review status: criteria provided, single submitter. Criteria: ACMG Guidelines, 2015. Collection method: clinical testing. Allele origin: germline. Affected: no.

Genome-Nilou Lab
Classification: Likely benign for Congenital myopathy 18. Last evaluated: 2023-04-11. Review status: criteria provided, single submitter. Criteria: ACMG Guidelines, 2015. Collection method: clinical testing. Allele origin: germline. Affected: no.

Genome-Nilou Lab
Classification: Likely benign for Hypokalemic periodic paralysis, type 1. Last evaluated: 2023-04-11. Review status: criteria provided, single submitter. Criteria: ACMG Guidelines, 2015. Collection method: clinical testing. Allele origin: germline. Affected: no.

Color Diagnostics, LLC DBA Color Health
Classification: Likely benign for Malignant hyperthermia, susceptibility to, 5. Last evaluated: 2023-01-20. Review status: criteria provided, single submitter. Criteria: ACMG Guidelines, 2015. Collection method: clinical testing. Allele origin: germline.

Fulgent Genetics
Classification: Likely benign for Hypokalemic periodic paralysis, type 1; Thyrotoxic periodic paralysis, susceptibility to, 1; Malignant hyperthermia, susceptibility to, 5. Last evaluated: 2021-11-08. Review status: criteria provided, single submitter. Criteria: ACMG Guidelines, 2015. Collection method: clinical testing. Allele origin: unknown.

GeneDx
Classification: Likely benign. Last evaluated: 2020-06-09. Review status: criteria provided, single submitter. Criteria: GeneDx Variant Classification Process June 2021. Collection method: clinical testing. Allele origin: germline. Affected: yes.

Illumina Laboratory Services, Illumina
Classification: Benign for Hypokalemic periodic paralysis, type 1. Last evaluated: 2018-01-13. Review status: criteria provided, single submitter. Criteria: ICSL Variant Classification Criteria 13 December 2019. Collection method: clinical testing. Allele origin: germline.
Comment: This variant was observed in the ICSL laboratory as part of a predisposition screen in an ostensibly healthy population. It had not been previously curated by ICSL or reported in the Human Gene Mutation Database (HGMD: prior to June 1st, 2018), and was therefore a candidate for classification through an automated scoring system. Utilizing variant allele frequency, disease prevalence and penetrance estimates, and inheritance mode, an automated score was calculated to assess if this variant is too frequent to cause the disease. Based on the score and internal cut-off values, a variant classified as benign is not then subjected to further curation. The score for this variant resulted in a classification of benign for this disease.